The following is an entry in ClinVar:

NM_002471.4(MYH6):c.4993G>A (p.Ala1665Thr)

Genes: MYH6 (myosin heavy chain 6; minus strand), LOC126861896 (BRD4-independent group 4 enhancer GRCh37_chr14:23854904-23856103; plus strand). Cytogenetic location: 14q11.2.
Variant type: single nucleotide variant.
Coding change: c.4993G>A on transcript NM_002471.4 (MANE Select); coding-DNA position 4993, G replaced by A.
Protein change: p.Ala1665Thr; replaces alanine 1665 with threonine.
Molecular consequence: missense variant.
Genome position (GRCh38, 1-based): chr14:23,386,098, C>T on the plus strand (G>A on the coding strand, the complement: MYH6 is on the minus strand). VCF-style: chr14-23386098-C-T. GRCh37 (hg19) VCF-style: chr14-23855307-C-T.
Other names: short protein forms A1665T.
Identifiers: ClinVar variation 1507368 (VCV001507368.13), dbSNP rs374271404, ClinGen allele CA257778619.

ClinVar aggregate classification (germline): Uncertain significance. Review status: criteria provided, multiple submitters, no conflicts (2 of 4 stars). 3 submissions from 3 submitters: Uncertain significance (3). Last evaluated 2024-12-16.

Conditions:
Cardiovascular phenotype. Identifiers: MedGen CN230736.
Hypertrophic cardiomyopathy 14. Identifiers: MedGen C2750467, MONDO:0013197, OMIM 613251.

Allele frequency attached by ClinVar (database versions not stated): gnomAD exomes below 0.00001 and 0.00001; gnomAD 0.00004; TOPMed 0.00005; ESP Exome Variant Server 0.00008.
gnomAD v4.1: 13 of 1,614,116 alleles (0.00081%); highest among the groups gnomAD compares: African/African-American, 0.015%; no homozygotes.

Submissions (3):

Labcorp Genetics (formerly Invitae), Labcorp
Classification: Uncertain significance for Hypertrophic cardiomyopathy 14. Last evaluated: 2024-12-16. Review status: criteria provided, single submitter. Criteria: Invitae Variant Classification Sherloc (09022015). Collection method: clinical testing. Allele origin: germline.
Comment: This sequence change replaces alanine, which is neutral and non-polar, with threonine, which is neutral and polar, at codon 1665 of the MYH6 protein (p.Ala1665Thr). This variant is present in population databases (rs374271404, gnomAD 0.007%). This variant has not been reported in the literature in individuals affected with MYH6-related conditions. ClinVar contains an entry for this variant (Variation ID: 1507368). Invitae Evidence Modeling of protein sequence and biophysical properties (such as structural, functional, and spatial information, amino acid conservation, physicochemical variation, residue mobility, and thermodynamic stability) indicates that this missense variant is not expected to disrupt MYH6 protein function with a negative predictive value of 80%. In summary, the available evidence is currently insufficient to determine the role of this variant in disease. Therefore, it has been classified as a Variant of Uncertain Significance.

Ambry Genetics
Classification: Uncertain significance for Cardiovascular phenotype. Last evaluated: 2024-11-05. Review status: criteria provided, single submitter. Criteria: Ambry Variant Classification Scheme 2023. Collection method: clinical testing. Allele origin: germline.
Comment: The p.A1665T variant (also known as c.4993G>A), located in coding exon 32 of the MYH6 gene, results from a G to A substitution at nucleotide position 4993. The alanine at codon 1665 is replaced by threonine, an amino acid with similar properties. This amino acid position is conserved. In addition, this alteration is predicted to be tolerated by in silico analysis. Since supporting evidence is limited at this time, the clinical significance of this alteration remains unclear.

GeneDx
Classification: Uncertain significance. Last evaluated: 2024-05-08. Review status: criteria provided, single submitter. Criteria: GeneDx Variant Classification Process June 2021. Collection method: clinical testing. Allele origin: germline. Affected: yes.
Comment: Not observed at significant frequency in large population cohorts (gnomAD); In silico analysis supports that this missense variant does not alter protein structure/function; Has not been previously published as pathogenic or benign to our knowledge